The following is an entry in ClinVar:

NM_004260.4(RECQL4):c.160C>G (p.Gln54Glu)

Genes: RECQL4 (RecQ like helicase 4; minus strand), LOC130001411 (ATAC-STARR-seq lymphoblastoid silent region 19699; plus strand). Cytogenetic location: 8q24.3.
Variant type: single nucleotide variant.
Coding change: c.160C>G on transcript NM_004260.4 (MANE Select); coding-DNA position 160, C replaced by G.
Protein change: p.Gln54Glu; replaces glutamine 54 with glutamic acid.
Molecular consequence: missense variant. On other transcripts: 5 prime UTR variant (16), non-coding transcript variant (3), intron variant (2).
Genome position (GRCh38, 1-based): chr8:144,517,467, G>C on the plus strand (C>G on the coding strand, the complement: RECQL4 is on the minus strand). VCF-style: chr8-144517467-G-C. GRCh37 (hg19) VCF-style: chr8-145742851-G-C.
Other names: c.160C>G, p.Gln54Glu (NM_001413017.1, NM_001413018.1, NM_001413019.1 and 5 more transcripts); c.-561C>G (NM_001413021.1); c.-912C>G (NM_001413022.1, NM_001413023.1, NM_001413037.1 and 2 more transcripts); c.-809C>G (NM_001413024.1, NM_001413035.1); c.-974C>G (NM_001413027.1, NM_001413030.1, NM_001413031.1 and 1 more transcripts); c.-637C>G (NM_001413028.1); c.-871C>G (NM_001413032.1); c.-816C>G (NM_001413034.1); and 3 more; short protein forms Q54E.
Identifiers: ClinVar variation 4825863 (VCV004825863.1).

ClinVar aggregate classification (germline): Uncertain significance (1 of 4 stars; one submission).

Conditions:
Inborn genetic diseases. Identifiers: MedGen C0950123, MeSH D030342.

Submission:

Ambry Genetics
Classification: Uncertain significance for Inborn genetic diseases. Last evaluated: 2026-03-01. Review status: criteria provided, single submitter. Criteria: Ambry Variant Classification Scheme 2023. Collection method: clinical testing. Allele origin: germline.
Comment: The p.Q54E variant (also known as c.160C>G), located in coding exon 3 of the RECQL4 gene, results from a C to G substitution at nucleotide position 160. The glutamine at codon 54 is replaced by glutamic acid, an amino acid with highly similar properties. This amino acid position is conserved. In addition, this alteration is predicted to be tolerated by in silico analysis. Based on the available evidence, the clinical significance of this variant remains unclear.